The following is an entry in ClinVar:

ClinVar aggregate classification (germline): Uncertain significance (1 of 4 stars; one submission).

Submission:

Labcorp Genetics (formerly Invitae), Labcorp
Classification: Uncertain significance. Last evaluated: 2022-08-23. Review status: criteria provided, single submitter. Criteria: Invitae Variant Classification Sherloc (09022015). Collection method: clinical testing. Allele origin: germline.
Comment: In summary, the available evidence is currently insufficient to determine the role of this variant in disease. Therefore, it has been classified as a Variant of Uncertain Significance. Algorithms developed to predict the effect of missense changes on protein structure and function (SIFT, PolyPhen-2, Align-GVGD) all suggest that this variant is likely to be disruptive. ClinVar contains an entry for this variant (Variation ID: 1502619). This variant has not been reported in the literature in individuals affected with PSMB4-related conditions. This variant is not present in population databases (gnomAD no frequency). This sequence change replaces tyrosine, which is neutral and polar, with cysteine, which is neutral and slightly polar, at codon 223 of the PSMB4 protein (p.Tyr223Cys).

NM_002796.3(PSMB4):c.668A>G (p.Tyr223Cys)

Gene: PSMB4 (proteasome 20S subunit beta 4; plus strand). Cytogenetic location: 1q21.3.
Variant type: single nucleotide variant.
Coding change: c.668A>G on transcript NM_002796.3 (MANE Select); coding-DNA position 668, A replaced by G.
Protein change: p.Tyr223Cys; replaces tyrosine 223 with cysteine.
Molecular consequence: missense variant.
Genome position (GRCh38, 1-based): chr1:151,401,330, A>G. VCF-style: chr1-151401330-A-G. GRCh37 (hg19) VCF-style: chr1-151373806-A-G.
Other names: short protein forms Y223C.
Identifiers: ClinVar variation 1502619 (VCV001502619.8), dbSNP rs2102123118, ClinGen allele CA341926986.
Genomic context (GRCh38, chr1:151,401,330, plus strand): 5'-CAGTGCTAAGCCAGACCGAGGCCCGCGACTTAGTAGAACGCTGCATGCGAGTGCTGTACT[A>G]CCGAGATGCCCGTTCTTACAACCGGGTGAGGGATGTGCTGGGAACCTAATTGGCGGGCTC-3'
Protein context (NP_002787.2, residues 213-233): LVERCMRVLY[Tyr223Cys]RDARSYNRFQ